The following is an entry in ClinVar:

NM_025077.4(TOE1):c.1172del (p.Asn391fs)

Gene: TOE1 (target of EGR1, exonuclease; plus strand). Cytogenetic location: 1p34.1.
Variant type: Deletion.
Coding change: c.1172del on transcript NM_025077.4 (MANE Select); coding-DNA position 1172, one base deleted (A; older notation c.1172delA).
Protein change: p.Asn391fs; shifts the reading frame from asparagine 391.
Molecular consequence: frameshift variant.
Genome position (GRCh38, 1-based): chr1:45,343,341, A deleted; the last of 2 consecutive A bases (chr1:45,343,340-45,343,341); deleting either gives the same sequence. VCF-style (leftmost placement, unchanged base first): chr1-45343339-GA-G. GRCh37 (hg19) VCF-style: chr1-45809011-GA-G.
Other names: c.1171delA (NM_025077.4); short protein forms N391fs.
Identifiers: ClinVar variation 1690619 (VCV001690619.2), dbSNP rs777525101, ClinGen allele CA826792.

ClinVar aggregate classification (germline): Likely pathogenic (1 of 4 stars; one submission).

Submission:

Laboratorio de Genetica e Diagnostico Molecular, Hospital Israelita Albert Einstein
Classification: Likely pathogenic. Last evaluated: 2021-01-21. Review status: criteria provided, single submitter. Criteria: ACMG Guidelines, 2015. Collection method: clinical testing. Allele origin: germline. Affected: yes.
Comment: ACMG classification criteria: PVS1, PM2